The following is an entry in ClinVar:

NM_016169.4(SUFU):c.1229C>G (p.Ser410Cys)

Gene: SUFU (SUFU negative regulator of hedgehog signaling; plus strand). Cytogenetic location: 10q24.32.
Variant type: single nucleotide variant.
Coding change: c.1229C>G on transcript NM_016169.4 (MANE Select); coding-DNA position 1229, C replaced by G.
Protein change: p.Ser410Cys; replaces serine 410 with cysteine.
Molecular consequence: missense variant.
Genome position (GRCh38, 1-based): chr10:102,617,361, C>G. VCF-style: chr10-102617361-C-G. GRCh37 (hg19) VCF-style: chr10-104377118-C-G.
Other names: c.1229C>G, p.Ser410Cys (NM_001178133.2); short protein forms S410C.
Identifiers: ClinVar variation 1754975 (VCV001754975.5), dbSNP rs2492790049, ClinGen allele CA377915615.

ClinVar aggregate classification (germline): Uncertain significance. Review status: criteria provided, multiple submitters, no conflicts (2 of 4 stars). 2 submissions from 2 submitters: Uncertain significance (2). Last evaluated 2022-11-23.

Conditions:
Medulloblastoma (MDB). Also called: MEDULLOBLASTOMA PREDISPOSITION SYNDROME; Medulloblastoma, somatic. Identifiers: Orphanet 616, MedGen C0025149, MeSH D008527, MONDO:0007959, OMIM 155255, HP:0002885.
Gorlin syndrome. Also called: Nevoid Basal Cell Carcinoma Syndrome; Basal cell nevus syndrome. Identifiers: Orphanet 377, MedGen C0004779, MONDO:0007187.
Hereditary cancer-predisposing syndrome. Also called: Neoplastic Syndromes, Hereditary; Tumor predisposition; Hereditary neoplastic syndrome; Hereditary Cancer Syndrome. Identifiers: Orphanet 140162, MedGen C0027672, MeSH D009386, MONDO:0015356.

Allele frequency attached by ClinVar (database versions not stated): gnomAD exomes below 0.00001.
gnomAD v4.1: 1 of 1,614,262 alleles (0.000062%); highest among the groups gnomAD compares: Non-Finnish European, 0.000085%; no homozygotes.

Submissions (2):

Labcorp Genetics (formerly Invitae), Labcorp
Classification: Uncertain significance for Gorlin syndrome; Medulloblastoma. Last evaluated: 2022-11-23. Review status: criteria provided, single submitter. Criteria: Invitae Variant Classification Sherloc (09022015). Collection method: clinical testing. Allele origin: germline.
Comment: In summary, the available evidence is currently insufficient to determine the role of this variant in disease. Therefore, it has been classified as a Variant of Uncertain Significance. Advanced modeling of protein sequence and biophysical properties (such as structural, functional, and spatial information, amino acid conservation, physicochemical variation, residue mobility, and thermodynamic stability) performed at Invitae indicates that this missense variant is not expected to disrupt SUFU protein function. This variant has not been reported in the literature in individuals affected with SUFU-related conditions. This variant is not present in population databases (gnomAD no frequency). This sequence change replaces serine, which is neutral and polar, with cysteine, which is neutral and slightly polar, at codon 410 of the SUFU protein (p.Ser410Cys).

Ambry Genetics
Classification: Uncertain significance for Hereditary cancer-predisposing syndrome. Last evaluated: 2022-02-01. Review status: criteria provided, single submitter. Criteria: Ambry Variant Classification Scheme 2023. Collection method: clinical testing. Allele origin: germline.
Comment: The p.S410C variant (also known as c.1229C>G), located in coding exon 10 of the SUFU gene, results from a C to G substitution at nucleotide position 1229. The serine at codon 410 is replaced by cysteine, an amino acid with dissimilar properties. This amino acid position is conserved. In addition, the in silico prediction for this alteration is inconclusive. Since supporting evidence is limited at this time, the clinical significance of this alteration remains unclear.